The following is an entry in ClinVar:

ClinVar aggregate classification (germline): Uncertain significance (1 of 4 stars; one submission).

Allele frequency attached by ClinVar (database versions not stated): ExAC 0.00001; ESP Exome Variant Server 0.00009.
gnomAD v4.1: 20 of 1,209,122 alleles (0.0017%); highest among the groups gnomAD compares: Non-Finnish European, 0.0021%; no homozygotes.

Submission:

CeGaT Center for Human Genetics Tuebingen
Classification: Uncertain significance. Last evaluated: 2023-05-01. Review status: criteria provided, single submitter. Criteria: CeGaT Center For Human Genetics Tuebingen Variant Classification Criteria Version 2. Collection method: clinical testing. Allele origin: germline. Affected: yes. Observed: 1 variant allele.
Comment: PNPLA4: PM2, PP3

NM_004650.3(PNPLA4):c.23T>C (p.Phe8Ser)

Genes: PNPLA4 (patatin like domain 4, phospholipase and triacylglycerol lipase; minus strand), LOC125446266 (Sharpr-MPRA regulatory region 9499; plus strand). Cytogenetic location: Xp22.31.
Variant type: single nucleotide variant.
Coding change: c.23T>C on transcript NM_004650.3 (MANE Select); coding-DNA position 23, T replaced by C.
Protein change: p.Phe8Ser; replaces phenylalanine 8 with serine.
Molecular consequence: missense variant. On other transcripts: intron variant (1).
Genome position (GRCh38, 1-based): chrX:7,926,097, A>G on the plus strand (T>C on the coding strand, the complement: PNPLA4 is on the minus strand). VCF-style: chrX-7926097-A-G. GRCh37 (hg19) VCF-style: chrX-7894138-A-G.
Other names: c.23T>C, p.Phe8Ser (NM_001142389.2); c.-82+1589T>C (NM_001172672.2); short protein forms F8S.
Identifiers: ClinVar variation 2659924 (VCV002659924.24), dbSNP rs369470682, ClinGen allele CA10342882.